The following is an entry in ClinVar:

NM_006618.5(KDM5B):c.2720T>C (p.Leu907Pro)

Gene: KDM5B (lysine demethylase 5B; minus strand). Cytogenetic location: 1q32.1.
Variant type: single nucleotide variant.
Coding change: c.2720T>C on transcript NM_006618.5 (MANE Select); coding-DNA position 2720, T replaced by C.
Protein change: p.Leu907Pro; replaces leucine 907 with proline.
Molecular consequence: missense variant.
Genome position (GRCh38, 1-based): chr1:202,741,592, A>G on the plus strand (T>C on the coding strand, the complement: KDM5B is on the minus strand). VCF-style: chr1-202741592-A-G. GRCh37 (hg19) VCF-style: chr1-202710720-A-G.
Other names: c.2828T>C, p.Leu943Pro (NM_001314042.2); c.2585T>C, p.Leu862Pro (NM_001347591.2); c.2705T>C, p.Leu902Pro (NM_001399817.1); short protein forms L862P, L902P, L907P, L943P.
Identifiers: ClinVar variation 4281818 (VCV004281818.1).

ClinVar aggregate classification (germline): Uncertain significance (1 of 4 stars; one submission).

Submission:

GeneDx
Classification: Uncertain significance. Last evaluated: 2025-04-14. Review status: criteria provided, single submitter. Criteria: GeneDx Variant Classification Process June 2021. Collection method: clinical testing. Allele origin: germline. Affected: yes.
Comment: Not observed at significant frequency in large population cohorts (gnomAD); In silico analysis supports that this missense variant has a deleterious effect on protein structure/function; Has not been previously published as pathogenic or benign to our knowledge